The following is an entry in ClinVar:

NM_001370658.1(BTD):c.875G>T (p.Gly292Val)

Gene: BTD (biotinidase; plus strand). Cytogenetic location: 3p25.1.
Variant type: single nucleotide variant.
Coding change: c.875G>T on transcript NM_001370658.1 (MANE Select); coding-DNA position 875, G replaced by T.
Protein change: p.Gly292Val; replaces glycine 292 with valine.
Molecular consequence: missense variant. On other transcripts: intron variant (6).
Genome position (GRCh38, 1-based): chr3:15,644,791, G>T. VCF-style: chr3-15644791-G-T. GRCh37 (hg19) VCF-style: chr3-15686298-G-T.
Other names: c.875G>T, p.Gly292Val (NM_001407370.1, NM_001407371.1, NM_001407372.1 and 18 more transcripts); c.399+2734G>T (NM_001370753.1, NM_001407400.1, NM_001407380.1 and 3 more transcripts); short protein forms G292V.
Identifiers: ClinVar variation 2789154 (VCV002789154.3), dbSNP rs377651057, ClinGen allele CA351607526.
Genomic context (GRCh38, chr3:15,644,791, plus strand): 5'-TTGGCATCAACGTTCTGGCAGCTAATGTCCACCACCCAGTTCTGGGGATGACAGGAAGTG[G>T]CATACACACCCCTCTGGAGTCCTTTTGGTACCATGACATGGAAAATCCCAAAAGTCACCT-3'
Protein context (NP_001357587.1, residues 282-302): HHPVLGMTGS[Gly292Val]IHTPLESFWY

ClinVar aggregate classification (germline): Likely pathogenic (1 of 4 stars; one submission).

Conditions:
Biotinidase deficiency. Also called: BTD deficiency; Late-onset biotin-responsive multiple carboxylase deficiency; Biotin deficiency. Identifiers: Orphanet 79241, MedGen C0220754, MONDO:0009665, OMIM 253260.

gnomAD v4.1: 3 of 1,614,118 alleles (0.00019%); highest among the groups gnomAD compares: Non-Finnish European, 0.00025%; no homozygotes.

Submission:

Labcorp Genetics (formerly Invitae), Labcorp
Classification: Likely pathogenic for Biotinidase deficiency. Last evaluated: 2023-10-11. Review status: criteria provided, single submitter. Criteria: Invitae Variant Classification Sherloc (09022015). Collection method: clinical testing. Allele origin: germline.
Comment: This sequence change replaces glycine, which is neutral and non-polar, with valine, which is neutral and non-polar, at codon 312 of the BTD protein (p.Gly312Val). This variant is not present in population databases (gnomAD no frequency). This variant has not been reported in the literature in individuals affected with BTD-related conditions. Advanced modeling of protein sequence and biophysical properties (such as structural, functional, and spatial information, amino acid conservation, physicochemical variation, residue mobility, and thermodynamic stability) performed at Invitae indicates that this missense variant is expected to disrupt BTD protein function. This variant disrupts the p.Gly312 amino acid residue in BTD. Other variant(s) that disrupt this residue have been determined to be pathogenic (PMID: 9396567, 12359137; Invitae). This suggests that this residue is clinically significant, and that variants that disrupt this residue are likely to be disease-causing. In summary, the currently available evidence indicates that the variant is pathogenic, but additional data are needed to prove that conclusively. Therefore, this variant has been classified as Likely Pathogenic.

Literature cited by the submitters: PubMed 9396567; PubMed 12359137.